The following is an entry in ClinVar:

NM_001099289.3(SH3RF3):c.1859G>C (p.Arg620Pro)

Genes: RANBP2 (RAN binding protein 2; plus strand), SH3RF3 (SH3 domain containing ring finger 3; plus strand). Cytogenetic location: 2q13.
Variant type: single nucleotide variant.
Coding change: c.1859G>C on transcript NM_001099289.3 (MANE Select); coding-DNA position 1859, G replaced by C.
Protein change: p.Arg620Pro; replaces arginine 620 with proline.
Molecular consequence: missense variant.
Genome position (GRCh38, 1-based): chr2:109,449,200, G>C. VCF-style: chr2-109449200-G-C. GRCh37 (hg19) VCF-style: chr2-110065656-G-C.
Other names: short protein forms R620P.
Identifiers: ClinVar variation 4164374 (VCV004164374.1).

ClinVar aggregate classification (germline): Uncertain significance (1 of 4 stars; one submission).

gnomAD v4.1: 4 of 1,613,538 alleles (0.00025%); highest among the groups gnomAD compares: Admixed American, 0.0017%; no homozygotes.

Submission:

Ambry Genetics
Classification: Uncertain significance. Last evaluated: 2025-09-11. Review status: criteria provided, single submitter. Criteria: Ambry Variant Classification Scheme 2023. Collection method: clinical testing. Allele origin: germline.
Comment: The c.1859G>C (p.R620P) alteration is located in exon (coding exon ) of the SH3RF3 gene. This alteration results from a G to C substitution at nucleotide position 1859, causing the arginine (R) at amino acid position 620 to be replaced by a proline (P). Based on insufficient or conflicting evidence, the clinical significance of this alteration remains unclear.